The following is an entry in ClinVar:

NM_006329.4(FBLN5):c.1234G>A (p.Gly412Arg)

Gene: FBLN5 (fibulin 5; minus strand). Cytogenetic location: 14q32.12.
Variant type: single nucleotide variant.
Coding change: c.1234G>A on transcript NM_006329.4 (MANE Select); coding-DNA position 1234, G replaced by A.
Protein change: p.Gly412Arg; replaces glycine 412 with arginine.
Molecular consequence: missense variant. On other transcripts: 3 prime UTR variant (2).
Genome position (GRCh38, 1-based): chr14:91,870,337, C>T on the plus strand (G>A on the coding strand, the complement: FBLN5 is on the minus strand). VCF-style: chr14-91870337-C-T. GRCh37 (hg19) VCF-style: chr14-92336681-C-T.
Other names: c.1357G>A, p.Gly453Arg (NM_001384158.1); c.1285G>A, p.Gly429Arg (NM_001384159.1); c.*18G>A (NM_001384160.1, NM_001384161.1); c.1066G>A, p.Gly356Arg (NM_001384162.1); short protein forms G429R, G453R, G356R, G412R.
Identifiers: ClinVar variation 3676982 (VCV003676982.2).

ClinVar aggregate classification (germline): Uncertain significance (1 of 4 stars; one submission).

gnomAD v4.1: 3 of 1,614,196 alleles (0.00019%); highest among the groups gnomAD compares: South Asian, 0.0022%; no homozygotes.

Submission:

Labcorp Genetics (formerly Invitae), Labcorp
Classification: Uncertain significance. Last evaluated: 2024-11-06. Review status: criteria provided, single submitter. Criteria: Invitae Variant Classification Sherloc (09022015). Collection method: clinical testing. Allele origin: germline.
Comment: This sequence change replaces glycine, which is neutral and non-polar, with arginine, which is basic and polar, at codon 412 of the FBLN5 protein (p.Gly412Arg). This variant is not present in population databases (gnomAD no frequency). This variant has not been reported in the literature in individuals affected with FBLN5-related conditions. Invitae Evidence Modeling of protein sequence and biophysical properties (such as structural, functional, and spatial information, amino acid conservation, physicochemical variation, residue mobility, and thermodynamic stability) indicates that this missense variant is not expected to disrupt FBLN5 protein function with a negative predictive value of 80%. In summary, the available evidence is currently insufficient to determine the role of this variant in disease. Therefore, it has been classified as a Variant of Uncertain Significance.